The following is an entry in ClinVar:

ClinVar aggregate classification (germline): Uncertain significance (0 of 4 stars; one submission).

Conditions:
DNMT3A-related disorder. Also called: DNMT3A-related disorders; DNMT3A-related condition.

gnomAD v4.1: 14 of 1,237,814 alleles (0.0011%); highest among the groups gnomAD compares: Non-Finnish European, 0.00055%; no homozygotes.

Submission:

PreventionGenetics, part of Exact Sciences
Classification: Uncertain significance for DNMT3A-related condition. Last evaluated: 2024-08-12. Review status: no assertion criteria provided. Collection method: clinical testing. Allele origin: germline.
Comment: The DNMT3A c.32C>G variant is predicted to result in the amino acid substitution p.Ser11Cys. In an alternate transcript (NM_175629.2), this variant is found within an intronic region (c.640-3811C>G). To our knowledge, this variant has not been reported in the literature or in a large population database, indicating this variant is rare. At this time, the clinical significance of this variant is uncertain due to the absence of conclusive functional and genetic evidence.

NM_022552.5(DNMT3A):c.640-3811C>G

Genes: DNMT3A (DNA methyltransferase 3 alpha; minus strand), LOC129933288 (ATAC-STARR-seq lymphoblastoid silent region 11249; plus strand). Cytogenetic location: 2p23.3.
Variant type: single nucleotide variant.
Coding change: c.640-3811C>G on transcript NM_022552.5 (MANE Select); 3811 bases into the intron before coding-DNA position 640, C replaced by G.
Molecular consequence: intron variant. On other transcripts: missense variant (1).
Genome position (GRCh38, 1-based): chr2:25,252,063, G>C on the plus strand (C>G on the coding strand, the complement: DNMT3A is on the minus strand). VCF-style: chr2-25252063-G-C. GRCh37 (hg19) VCF-style: chr2-25474932-G-C.
Other names: c.32C>G, p.Ser11Cys (NM_001320893.1); c.640-3811C>G (NM_175629.2); c.4+131C>G (NM_153759.3); c.-31+131C>G (NM_001375819.1); short protein forms S11C.
Identifiers: ClinVar variation 3353828 (VCV003353828.1).